The following is an entry in ClinVar:

ClinVar aggregate classification (germline): Uncertain significance (1 of 4 stars; one submission).

Allele frequency attached by ClinVar (database versions not stated): ESP Exome Variant Server 0.00008; 1000 Genomes Project 30x 0.00016; 1000 Genomes Project 0.00020.
gnomAD v4.1: 34 of 1,614,156 alleles (0.0021%); highest among the groups gnomAD compares: Non-Finnish European, 0.0027%; no homozygotes.

Submission:

Labcorp Genetics (formerly Invitae), Labcorp
Classification: Uncertain significance. Last evaluated: 2023-03-11. Review status: criteria provided, single submitter. Criteria: Invitae Variant Classification Sherloc (09022015). Collection method: clinical testing. Allele origin: germline.
Comment: In summary, the available evidence is currently insufficient to determine the role of this variant in disease. Therefore, it has been classified as a Variant of Uncertain Significance. Algorithms developed to predict the effect of sequence changes on RNA splicing suggest that this variant may create or strengthen a splice site. Advanced modeling of protein sequence and biophysical properties (such as structural, functional, and spatial information, amino acid conservation, physicochemical variation, residue mobility, and thermodynamic stability) performed at Invitae indicates that this missense variant is not expected to disrupt ZNF335 protein function. ClinVar contains an entry for this variant (Variation ID: 1906576). This variant has not been reported in the literature in individuals affected with ZNF335-related conditions. This variant is present in population databases (rs151210181, gnomAD 0.004%), including at least one homozygous and/or hemizygous individual. This sequence change replaces arginine, which is basic and polar, with cysteine, which is neutral and slightly polar, at codon 444 of the ZNF335 protein (p.Arg444Cys).

NM_022095.4(ZNF335):c.1330C>T (p.Arg444Cys)

Gene: ZNF335 (zinc finger protein 335; minus strand). Cytogenetic location: 20q13.12.
Variant type: single nucleotide variant.
Coding change: c.1330C>T on transcript NM_022095.4 (MANE Select); coding-DNA position 1330, C replaced by T.
Protein change: p.Arg444Cys; replaces arginine 444 with cysteine.
Molecular consequence: missense variant.
Genome position (GRCh38, 1-based): chr20:45,963,763, G>A on the plus strand (C>T on the coding strand, the complement: ZNF335 is on the minus strand). VCF-style: chr20-45963763-G-A. GRCh37 (hg19) VCF-style: chr20-44592402-G-A.
Other names: short protein forms R444C.
Identifiers: ClinVar variation 1906576 (VCV001906576.5), dbSNP rs151210181, ClinGen allele CA9885776.